The following is an entry in ClinVar:

ClinVar aggregate classification (germline): Uncertain significance (1 of 4 stars; one submission).

Conditions:
Fanconi anemia (FA). Also called: Fanconi's anemia. Identifiers: Orphanet 84, MedGen C0015625, MeSH D005199, MONDO:0019391.

Allele frequency attached by ClinVar (database versions not stated): gnomAD exomes below 0.00001.
gnomAD v4.1: 2 of 1,611,772 alleles (0.00012%); highest among the groups gnomAD compares: Non-Finnish European, 0.00017%; no homozygotes.

Submission:

Labcorp Genetics (formerly Invitae), Labcorp
Classification: Uncertain significance for Fanconi anemia. Last evaluated: 2022-12-21. Review status: criteria provided, single submitter. Criteria: Invitae Variant Classification Sherloc (09022015). Collection method: clinical testing. Allele origin: germline.
Comment: This sequence change replaces lysine, which is basic and polar, with glutamic acid, which is acidic and polar, at codon 1154 of the FANCD2 protein (p.Lys1154Glu). This variant is not present in population databases (gnomAD no frequency). This variant has not been reported in the literature in individuals affected with FANCD2-related conditions. Advanced modeling of protein sequence and biophysical properties (such as structural, functional, and spatial information, amino acid conservation, physicochemical variation, residue mobility, and thermodynamic stability) performed at Invitae indicates that this missense variant is not expected to disrupt FANCD2 protein function. In summary, the available evidence is currently insufficient to determine the role of this variant in disease. Therefore, it has been classified as a Variant of Uncertain Significance.

NM_001018115.3(FANCD2):c.3460A>G (p.Lys1154Glu)

Genes: FANCD2 (FA complementation group D2; plus strand), FANCD2OS (FANCD2 opposite strand; minus strand). Cytogenetic location: 3p25.3.
Variant type: single nucleotide variant.
Coding change: c.3460A>G on transcript NM_001018115.3 (MANE Select); coding-DNA position 3460, A replaced by G.
Protein change: p.Lys1154Glu; replaces lysine 1154 with glutamic acid.
Molecular consequence: missense variant. On other transcripts: intron variant (1).
Genome position (GRCh38, 1-based): chr3:10,087,258, A>G. VCF-style: chr3-10087258-A-G. GRCh37 (hg19) VCF-style: chr3-10128942-A-G.
Other names: c.3460A>G, p.Lys1154Glu (NM_001319984.2, NM_001374254.1, NM_033084.6); c.3349A>G, p.Lys1117Glu (NM_001374253.1); c.*44-5727T>C (NM_173472.2); short protein forms K1154E, K1117E.
Identifiers: ClinVar variation 3015859 (VCV003015859.3), dbSNP rs1694263676, ClinGen allele CA351752441.